The following is an entry in ClinVar:

ClinVar aggregate classification (germline): Uncertain significance (1 of 4 stars; one submission).

Conditions:
Townes syndrome (TBS). Also called: Townes-Brocks syndrome. Identifiers: Orphanet 857, MedGen C0265246, MeSH C536974, MONDO:0007142.

Allele frequency attached by ClinVar (database versions not stated): gnomAD exomes 0.00001; TOPMed 0.00002; gnomAD 0.00001; ExAC 0.00002.
gnomAD v4.1: 6 of 1,614,036 alleles (0.00037%); highest among the groups gnomAD compares: Admixed American, 0.01%; no homozygotes.

Submission:

Labcorp Genetics (formerly Invitae), Labcorp
Classification: Uncertain significance for Townes syndrome. Last evaluated: 2022-10-19. Review status: criteria provided, single submitter. Criteria: Invitae Variant Classification Sherloc (09022015). Collection method: clinical testing. Allele origin: germline.
Comment: This sequence change replaces methionine, which is neutral and non-polar, with arginine, which is basic and polar, at codon 530 of the SALL1 protein (p.Met530Arg). This variant is present in population databases (rs778754832, gnomAD 0.006%). This variant has not been reported in the literature in individuals affected with SALL1-related conditions. Advanced modeling of protein sequence and biophysical properties (such as structural, functional, and spatial information, amino acid conservation, physicochemical variation, residue mobility, and thermodynamic stability) performed at Invitae indicates that this missense variant is expected to disrupt SALL1 protein function. In summary, the available evidence is currently insufficient to determine the role of this variant in disease. Therefore, it has been classified as a Variant of Uncertain Significance.

NM_002968.3(SALL1):c.1589T>G (p.Met530Arg)

Gene: SALL1 (spalt like transcription factor 1; minus strand). Cytogenetic location: 16q12.1.
Variant type: single nucleotide variant.
Coding change: c.1589T>G on transcript NM_002968.3 (MANE Select); coding-DNA position 1589, T replaced by G.
Protein change: p.Met530Arg; replaces methionine 530 with arginine.
Molecular consequence: missense variant.
Genome position (GRCh38, 1-based): chr16:51,140,633, A>C on the plus strand (T>G on the coding strand, the complement: SALL1 is on the minus strand). VCF-style: chr16-51140633-A-C. GRCh37 (hg19) VCF-style: chr16-51174544-A-C.
Other names: c.1298T>G, p.Met433Arg (NM_001127892.2); short protein forms M433R, M530R.
Identifiers: ClinVar variation 2077337 (VCV002077337.4), dbSNP rs778754832, ClinGen allele CA8053263.